The following is an entry in ClinVar:

ClinVar aggregate classification (germline): Benign/Likely benign. Review status: criteria provided, multiple submitters, no conflicts (2 of 4 stars). 4 submissions from 4 submitters: Benign (1); Likely benign (2). 1 of the submissions does not count toward it. Last evaluated 2025-06-13.

Conditions:
Mitochondrial complex IV deficiency, nuclear type 15. Also called: Mitochondrial complex 4 deficiency, nuclear type 15. Identifiers: MedGen C5436712, MONDO:0033650, OMIM 619059.
COX8A-related disorder. Also called: COX8A-related condition.

Allele frequency attached by ClinVar (database versions not stated): ESP Exome Variant Server 0.00008; ExAC 0.00019; gnomAD 0.00021 and 0.00023; TOPMed 0.00025; gnomAD exomes 0.00035.
gnomAD v4.1: 273 of 1,614,044 alleles (0.017%); highest among the groups gnomAD compares: Admixed American, 0.032%; 2 homozygotes.

Submissions (4):

Labcorp Genetics (formerly Invitae), Labcorp
Classification: Benign. Last evaluated: 2025-06-13. Review status: criteria provided, single submitter. Criteria: Invitae Variant Classification Sherloc (09022015). Collection method: clinical testing. Allele origin: germline.

Blueprint Genetics
Classification: Likely benign. Last evaluated: 2023-11-23. Review status: criteria provided, single submitter. Criteria: ACMG Guidelines, 2015. Collection method: clinical testing. Allele origin: germline.

Fulgent Genetics
Classification: Likely benign for Mitochondrial complex IV deficiency, nuclear type 15. Last evaluated: 2021-09-20. Review status: criteria provided, single submitter. Criteria: ACMG Guidelines, 2015. Collection method: clinical testing. Allele origin: unknown.

PreventionGenetics, part of Exact Sciences
Classification: Likely benign for COX8A-related condition. Last evaluated: 2019-08-12. Review status: no assertion criteria provided. Collection method: clinical testing. Allele origin: germline. Not counted in ClinVar's aggregate classification.
Comment: This variant is classified as likely benign based on ACMG/AMP sequence variant interpretation guidelines (Richards et al. 2015 PMID: 25741868, with internal and published modifications).

NM_004074.3(COX8A):c.174C>A (p.Ile58=)

Gene: COX8A (cytochrome c oxidase subunit 8A; plus strand). Cytogenetic location: 11q13.1.
Variant type: single nucleotide variant.
Coding change: c.174C>A on transcript NM_004074.3 (MANE Select); coding-DNA position 174, C replaced by A.
Protein change: p.Ile58=; no amino-acid change (isoleucine 58 retained).
Molecular consequence: synonymous variant.
Genome position (GRCh38, 1-based): chr11:63,976,284, C>A. VCF-style: chr11-63976284-C-A. GRCh37 (hg19) VCF-style: chr11-63743756-C-A.
Other names: c.174C>A (NM_004074.2).
Identifiers: ClinVar variation 1645067 (VCV001645067.12), dbSNP rs11550240, ClinGen allele CA6066763.